The following is an entry in ClinVar:

ClinVar aggregate classification (germline): Likely benign (0 of 4 stars; one submission).

Conditions:
NSD2-related disorder. Also called: NSD2-related condition; NSD2 related disorders.

Submission:

PreventionGenetics, part of Exact Sciences
Classification: Likely benign for NSD2-related condition. Last evaluated: 2022-12-15. Review status: no assertion criteria provided. Collection method: clinical testing. Allele origin: germline.
Comment: This variant is classified as likely benign based on ACMG/AMP sequence variant interpretation guidelines (Richards et al. 2015 PMID: 25741868, with internal and published modifications).

NM_001042424.3(NSD2):c.3515-5C>T

Gene: NSD2 (nuclear receptor binding SET domain protein 2; plus strand). Cytogenetic location: 4p16.3.
Variant type: single nucleotide variant.
Coding change: c.3515-5C>T on transcript NM_001042424.3 (MANE Select); 5 bases into the intron before coding-DNA position 3515, C replaced by T.
Molecular consequence: intron variant.
Genome position (GRCh38, 1-based): chr4:1,975,289, C>T. VCF-style: chr4-1975289-C-T. GRCh37 (hg19) VCF-style: chr4-1977016-C-T.
Other names: c.3515-5C>T (NM_133330.3, NM_133331.3, NM_133335.4).
Identifiers: ClinVar variation 3047581 (VCV003047581.2), dbSNP rs961496926, ClinGen allele CA1433580794.